The following is an entry in ClinVar:

ClinVar aggregate classification (germline): Benign/Likely benign. Review status: criteria provided, multiple submitters, no conflicts (2 of 4 stars). 3 submissions from 3 submitters: Benign (1); Likely benign (2). Last evaluated 2025-12-08.

Conditions:
Inborn genetic diseases. Identifiers: MedGen C0950123, MeSH D030342.
Cerebral cavernous malformation (CCM). Also called: Cerebral cavernous malformations; CAVERNOUS ANGIOMA, FAMILIAL; CAVERNOUS ANGIOMATOUS MALFORMATIONS; CEREBRAL CAPILLARY MALFORMATIONS; Cavernous Hemangioma of Brain; Cerebral cavernous hemangioma (type). Identifiers: Orphanet 221061, MedGen C2919945, MONDO:0000820, OMIM 116860, HP:0033522.

Allele frequency attached by ClinVar (database versions not stated): gnomAD exomes 0.00009 and 0.00024; ExAC 0.00026; 1000 Genomes Project 30x 0.00062; gnomAD 0.00073 and 0.00080; ESP Exome Variant Server 0.00077; 1000 Genomes Project 0.00080; TOPMed 0.00092.
gnomAD v4.1: 242 of 1,564,770 alleles (0.015%); highest among the groups gnomAD compares: African/African-American, 0.27%; no homozygotes.

Submissions (3):

Mayo Clinic Laboratories, Mayo Clinic
Classification: Likely benign. Last evaluated: 2025-12-08. Review status: criteria provided, single submitter. Criteria: ACMG Guidelines, 2015. Collection method: clinical testing. Allele origin: germline. Observed: 3 variant alleles.
Comment: BS1, BP4, BP7

Labcorp Genetics (formerly Invitae), Labcorp
Classification: Benign for Cerebral cavernous malformation. Last evaluated: 2025-09-20. Review status: criteria provided, single submitter. Criteria: Invitae Variant Classification Sherloc (09022015). Collection method: clinical testing. Allele origin: germline.

Ambry Genetics
Classification: Likely benign for Inborn genetic diseases. Last evaluated: 2022-07-25. Review status: criteria provided, single submitter. Criteria: Ambry Variant Classification Scheme 2023. Collection method: clinical testing. Allele origin: germline.

NM_194454.3(KRIT1):c.2046G>A (p.Lys682=)

Gene: KRIT1 (KRIT1 ankyrin repeat containing; minus strand). Cytogenetic location: 7q21.2.
Variant type: single nucleotide variant.
Coding change: c.2046G>A on transcript NM_194454.3 (MANE Select); coding-DNA position 2046, G replaced by A.
Protein change: p.Lys682=; no amino-acid change (lysine 682 retained).
Molecular consequence: synonymous variant.
Genome position (GRCh38, 1-based): chr7:92,201,403, C>T on the plus strand (G>A on the coding strand, the complement: KRIT1 is on the minus strand). VCF-style: chr7-92201403-C-T. GRCh37 (hg19) VCF-style: chr7-91830717-C-T.
Other names: p.Lys682=; c.1902G>A, p.Lys634= (NM_001013406.2, NM_001350669.1, NM_001350670.1); c.1332G>A, p.Lys444= (NM_001350671.1); c.2046G>A, p.Lys682= (NM_001350672.1, NM_001350673.1, NM_001350674.1 and 26 more transcripts).
Identifiers: ClinVar variation 771273 (VCV000771273.12), dbSNP rs144960332, ClinGen allele CA4338963.